The following is an entry in ClinVar:

ClinVar aggregate classification (germline): Uncertain significance (1 of 4 stars; one submission).

Submission:

Labcorp Genetics (formerly Invitae), Labcorp
Classification: Uncertain significance. Last evaluated: 2022-08-17. Review status: criteria provided, single submitter. Criteria: Invitae Variant Classification Sherloc (09022015). Collection method: clinical testing. Allele origin: germline.
Comment: In summary, the available evidence is currently insufficient to determine the role of this variant in disease. Therefore, it has been classified as a Variant of Uncertain Significance. This variant has not been reported in the literature in individuals affected with C5-related conditions. This sequence change replaces proline, which is neutral and non-polar, with serine, which is neutral and polar, at codon 98 of the C5 protein (p.Pro98Ser). This variant is not present in population databases (gnomAD no frequency). Algorithms developed to predict the effect of missense changes on protein structure and function output the following: SIFT: "Tolerated"; PolyPhen-2: "Benign"; Align-GVGD: "Class C0". The serine amino acid residue is found in multiple mammalian species, which suggests that this missense change does not adversely affect protein function.

NM_001735.3(C5):c.292C>T (p.Pro98Ser)

Gene: C5 (complement C5; minus strand). Cytogenetic location: 9q33.2.
Variant type: single nucleotide variant.
Coding change: c.292C>T on transcript NM_001735.3 (MANE Select); coding-DNA position 292, C replaced by T.
Protein change: p.Pro98Ser; replaces proline 98 with serine.
Molecular consequence: missense variant.
Genome position (GRCh38, 1-based): chr9:121,043,133, G>A on the plus strand (C>T on the coding strand, the complement: C5 is on the minus strand). VCF-style: chr9-121043133-G-A. GRCh37 (hg19) VCF-style: chr9-123805411-G-A.
Other names: c.310C>T, p.Pro104Ser (NM_001317163.2); c.292C>T, p.Pro98Ser (NM_001317164.2); short protein forms P98S, P104S.
Identifiers: ClinVar variation 1971339 (VCV001971339.5), dbSNP rs1472937845, ClinGen allele CA374730164.